The following is an entry in ClinVar:

NM_020778.5(ALPK3):c.5100G>C (p.Lys1700Asn)

Gene: ALPK3 (alpha kinase 3; plus strand). Cytogenetic location: 15q25.3.
Variant type: single nucleotide variant.
Coding change: c.5100G>C on transcript NM_020778.5 (MANE Select); coding-DNA position 5100, G replaced by C.
Protein change: p.Lys1700Asn; replaces lysine 1700 with asparagine.
Molecular consequence: missense variant.
Genome position (GRCh38, 1-based): chr15:84,868,438, G>C. VCF-style: chr15-84868438-G-C. GRCh37 (hg19) VCF-style: chr15-85411669-G-C.
Other names: short protein forms K1700N.
Identifiers: ClinVar variation 1399065 (VCV001399065.13), dbSNP rs1010741163, ClinGen allele CA273635918.

ClinVar aggregate classification (germline): Uncertain significance. Review status: criteria provided, multiple submitters, no conflicts (2 of 4 stars). 3 submissions from 3 submitters: Uncertain significance (3). Last evaluated 2025-08-17.

Conditions:
Cardiovascular phenotype. Identifiers: MedGen CN230736.

Allele frequency attached by ClinVar (database versions not stated): gnomAD 0.00001; gnomAD exomes 0.00002.
gnomAD v4.1: 23 of 1,609,202 alleles (0.0014%); highest among the groups gnomAD compares: Admixed American, 0.0033%; no homozygotes.

Submissions (3):

Labcorp Genetics (formerly Invitae), Labcorp
Classification: Uncertain significance. Last evaluated: 2025-08-17. Review status: criteria provided, single submitter. Criteria: Invitae Variant Classification Sherloc (09022015). Collection method: clinical testing. Allele origin: germline.
Comment: This sequence change replaces lysine, which is basic and polar, with asparagine, which is neutral and polar, at codon 1902 of the ALPK3 protein (p.Lys1902Asn). This variant is present in population databases (no rsID available, gnomAD 0.006%). This variant has not been reported in the literature in individuals affected with ALPK3-related conditions. ClinVar contains an entry for this variant (Variation ID: 1399065). An algorithm developed to predict the effect of missense changes on protein structure and function (PolyPhen-2) suggests that this variant is likely to be disruptive. In summary, the available evidence is currently insufficient to determine the role of this variant in disease. Therefore, it has been classified as a Variant of Uncertain Significance.

Ambry Genetics
Classification: Uncertain significance for Cardiovascular phenotype. Last evaluated: 2023-09-06. Review status: criteria provided, single submitter. Criteria: Ambry Variant Classification Scheme 2023. Collection method: clinical testing. Allele origin: germline.
Comment: The p.K1902N variant (also known as c.5706G>C), located in coding exon 14 of the ALPK3 gene, results from a G to C substitution at nucleotide position 5706. The lysine at codon 1902 is replaced by asparagine, an amino acid with similar properties. This amino acid position is not well conserved in available vertebrate species. In addition, this alteration is predicted to be tolerated by in silico analysis. Since supporting evidence is limited at this time, the clinical significance of this alteration remains unclear.

Breakthrough Genomics
Classification: Uncertain significance. Review status: criteria provided, single submitter. Criteria: ACMG Guidelines, 2015. Collection method: not provided. Allele origin: germline. Inheritance: Autosomal recessive inheritance. Affected: yes.